The following is an entry in ClinVar:

NM_001136193.2(FASTKD2):c.625A>C (p.Ser209Arg)

Gene: FASTKD2 (FAST kinase domains 2; plus strand). Cytogenetic location: 2q33.3.
Variant type: single nucleotide variant.
Coding change: c.625A>C on transcript NM_001136193.2 (MANE Select); coding-DNA position 625, A replaced by C.
Protein change: p.Ser209Arg; replaces serine 209 with arginine.
Molecular consequence: missense variant.
Genome position (GRCh38, 1-based): chr2:206,767,318, A>C. VCF-style: chr2-206767318-A-C. GRCh37 (hg19) VCF-style: chr2-207632042-A-C.
Other names: c.625A>C (NM_014929.3); c.625A>C, p.Ser209Arg (NM_001136194.2, NM_014929.4); short protein forms S209R.
Identifiers: ClinVar variation 1901280 (VCV001901280.8), dbSNP rs146763857, ClinGen allele CA2074911.

ClinVar aggregate classification (germline): Uncertain significance. Review status: criteria provided, multiple submitters, no conflicts (2 of 4 stars). 4 submissions from 4 submitters: Uncertain significance (4). Last evaluated 2025-11-24.

Conditions:
Inborn genetic diseases. Identifiers: MedGen C0950123, MeSH D030342.
Combined oxidative phosphorylation deficiency 44. Also called: FASTKD2-Related Combined Oxidative Phosphorylation Deficiency. Identifiers: MedGen C5394293, MONDO:0030020, OMIM 618855.

Allele frequency attached by ClinVar (database versions not stated): gnomAD exomes 0.00001; ExAC 0.00003; TOPMed 0.00010; gnomAD 0.00012; ESP Exome Variant Server 0.00015.
gnomAD v4.1: 31 of 1,614,084 alleles (0.0019%); highest among the groups gnomAD compares: African/African-American, 0.041%; no homozygotes.

Submissions (4):

Ambry Genetics
Classification: Uncertain significance for Inborn genetic diseases. Last evaluated: 2025-11-24. Review status: criteria provided, single submitter. Criteria: Ambry Variant Classification Scheme 2023. Collection method: clinical testing. Allele origin: germline.

GeneDx
Classification: Uncertain significance. Last evaluated: 2025-07-15. Review status: criteria provided, single submitter. Criteria: GeneDx Variant Classification Process June 2021. Collection method: clinical testing. Allele origin: germline. Affected: yes.
Comment: In silico analysis suggests that this missense variant does not alter protein structure/function; Has not been previously published as pathogenic or benign to our knowledge

Fulgent Genetics
Classification: Uncertain significance for Combined oxidative phosphorylation deficiency 44. Last evaluated: 2024-03-27. Review status: criteria provided, single submitter. Criteria: ACMG Guidelines, 2015. Collection method: clinical testing. Allele origin: germline.

Labcorp Genetics (formerly Invitae), Labcorp
Classification: Uncertain significance. Last evaluated: 2022-08-01. Review status: criteria provided, single submitter. Criteria: Invitae Variant Classification Sherloc (09022015). Collection method: clinical testing. Allele origin: germline.
Comment: In summary, the available evidence is currently insufficient to determine the role of this variant in disease. Therefore, it has been classified as a Variant of Uncertain Significance. Algorithms developed to predict the effect of missense changes on protein structure and function (SIFT, PolyPhen-2, Align-GVGD) all suggest that this variant is likely to be tolerated. This variant has not been reported in the literature in individuals affected with FASTKD2-related conditions. This variant is present in population databases (rs146763857, gnomAD 0.04%). This sequence change replaces serine, which is neutral and polar, with arginine, which is basic and polar, at codon 209 of the FASTKD2 protein (p.Ser209Arg).